The following is an entry in ClinVar:

ClinVar aggregate classification (germline): Uncertain significance. Review status: criteria provided, multiple submitters, no conflicts (2 of 4 stars). 2 submissions from 2 submitters: Uncertain significance (2). Last evaluated 2023-12-24.

Conditions:
Inborn genetic diseases. Identifiers: MedGen C0950123, MeSH D030342.

Allele frequency attached by ClinVar (database versions not stated): gnomAD exomes below 0.00001; TOPMed below 0.00001.
gnomAD v4.1: 4 of 1,614,114 alleles (0.00025%); highest among the groups gnomAD compares: Non-Finnish European, 0.00025%; no homozygotes.

Submissions (2):

Ambry Genetics
Classification: Uncertain significance for Inborn genetic diseases. Last evaluated: 2023-12-24. Review status: criteria provided, single submitter. Criteria: Ambry Variant Classification Scheme 2023. Collection method: clinical testing. Allele origin: germline.
Comment: The p.I456T variant (also known as c.1367T>C), located in coding exon 14 of the ERCC2 gene, results from a T to C substitution at nucleotide position 1367. The isoleucine at codon 456 is replaced by threonine, an amino acid with similar properties. This amino acid position is conserved. In addition, this alteration is predicted to be deleterious by in silico analysis. Since supporting evidence is limited at this time, the clinical significance of this alteration remains unclear.

Labcorp Genetics (formerly Invitae), Labcorp
Classification: Uncertain significance. Last evaluated: 2022-03-01. Review status: criteria provided, single submitter. Criteria: Invitae Variant Classification Sherloc (09022015). Collection method: clinical testing. Allele origin: germline.
Comment: This sequence change replaces isoleucine, which is neutral and non-polar, with threonine, which is neutral and polar, at codon 456 of the ERCC2 protein (p.Ile456Thr). This variant is not present in population databases (gnomAD no frequency). This variant has not been reported in the literature in individuals affected with ERCC2-related conditions. Algorithms developed to predict the effect of missense changes on protein structure and function are either unavailable or do not agree on the potential impact of this missense change (SIFT: "Deleterious"; PolyPhen-2: "Possibly Damaging"; Align-GVGD: "Class C0"). In summary, the available evidence is currently insufficient to determine the role of this variant in disease. Therefore, it has been classified as a Variant of Uncertain Significance.

NM_000400.4(ERCC2):c.1367T>C (p.Ile456Thr)

Gene: ERCC2 (ERCC excision repair 2, TFIIH core complex helicase subunit; minus strand). Cytogenetic location: 19q13.32.
Variant type: single nucleotide variant.
Coding change: c.1367T>C on transcript NM_000400.4 (MANE Select); coding-DNA position 1367, T replaced by C.
Protein change: p.Ile456Thr; replaces isoleucine 456 with threonine.
Molecular consequence: missense variant.
Genome position (GRCh38, 1-based): chr19:45,357,484, A>G on the plus strand (T>C on the coding strand, the complement: ERCC2 is on the minus strand). VCF-style: chr19-45357484-A-G. GRCh37 (hg19) VCF-style: chr19-45860742-A-G.
Other names: short protein forms I456T.
Identifiers: ClinVar variation 1985005 (VCV001985005.2), dbSNP rs1972052102, ClinGen allele CA406367421.
Genomic context (GRCh38, chr19:45,357,484, plus strand): 5'-GCCCATGGAGGGAGGTCAGGGACTAGGAGGGGACGGGGAAGGGTCCTTACCCCAGATGTG[A>G]TGATGACAGACTGGAAACGCTCAAATACGGGTTTGATGGCCAGCGAGGCGTCCATGCAGC-3'
Protein context (NP_000391.1, residues 446-466): PVFERFQSVI[Ile456Thr]TSGTLSPLDI